The following is an entry in ClinVar:

NM_001031689.3(PLAA):c.82G>T (p.Ala28Ser)

Gene: PLAA (phospholipase A2 activating protein; minus strand). Cytogenetic location: 9p21.2.
Variant type: single nucleotide variant.
Coding change: c.82G>T on transcript NM_001031689.3 (MANE Select); coding-DNA position 82, G replaced by T.
Protein change: p.Ala28Ser; replaces alanine 28 with serine.
Molecular consequence: missense variant.
Genome position (GRCh38, 1-based): chr9:26,946,964, C>A on the plus strand (G>T on the coding strand, the complement: PLAA is on the minus strand). VCF-style: chr9-26946964-C-A. GRCh37 (hg19) VCF-style: chr9-26946962-C-A.
Other names: c.82G>T, p.Ala28Ser (NM_001321546.2); short protein forms A28S.
Identifiers: ClinVar variation 2077712 (VCV002077712.1), dbSNP rs867926018, ClinGen allele CA191284714.

ClinVar aggregate classification (germline): Uncertain significance (1 of 4 stars; one submission).

Allele frequency attached by ClinVar (database versions not stated): gnomAD 0.00001.

Submission:

Labcorp Genetics (formerly Invitae), Labcorp
Classification: Uncertain significance. Last evaluated: 2022-02-02. Review status: criteria provided, single submitter. Criteria: Invitae Variant Classification Sherloc (09022015). Collection method: clinical testing. Allele origin: germline.
Comment: This sequence change replaces alanine, which is neutral and non-polar, with serine, which is neutral and polar, at codon 28 of the PLAA protein (p.Ala28Ser). The frequency data for this variant in the population databases is considered unreliable, as metrics indicate poor data quality at this position in the gnomAD database. This variant has not been reported in the literature in individuals affected with PLAA-related conditions. Algorithms developed to predict the effect of missense changes on protein structure and function (SIFT, PolyPhen-2, Align-GVGD) all suggest that this variant is likely to be tolerated. In summary, the available evidence is currently insufficient to determine the role of this variant in disease. Therefore, it has been classified as a Variant of Uncertain Significance.